The following is an entry in ClinVar:

NM_000147.5(FUCA1):c.1178C>T (p.Ser393Leu)

Gene: FUCA1 (alpha-L-fucosidase 1; minus strand). Cytogenetic location: 1p36.11.
Variant type: single nucleotide variant.
Coding change: c.1178C>T on transcript NM_000147.5 (MANE Select); coding-DNA position 1178, C replaced by T.
Protein change: p.Ser393Leu; replaces serine 393 with leucine.
Molecular consequence: missense variant.
Genome position (GRCh38, 1-based): chr1:23,846,156, G>A on the plus strand (C>T on the coding strand, the complement: FUCA1 is on the minus strand). VCF-style: chr1-23846156-G-A. GRCh37 (hg19) VCF-style: chr1-24172646-G-A.
Other names: short protein forms S393L.
Identifiers: ClinVar variation 1405327 (VCV001405327.4), dbSNP rs149168482, ClinGen allele CA686323.

ClinVar aggregate classification (germline): Uncertain significance (1 of 4 stars; one submission).

Conditions:
Fucosidosis. Also called: ALPHA-L-FUCOSIDASE DEFICIENCY. Identifiers: Orphanet 349, MedGen C0016788, MONDO:0009254, OMIM 230000.

Allele frequency attached by ClinVar (database versions not stated): gnomAD exomes 0.00001 and 0.00003; ExAC 0.00004; gnomAD 0.00005; TOPMed 0.00005; ESP Exome Variant Server 0.00015.
gnomAD v4.1: 24 of 1,613,402 alleles (0.0015%); highest among the groups gnomAD compares: African/African-American, 0.008%; no homozygotes.

Submission:

Labcorp Genetics (formerly Invitae), Labcorp
Classification: Uncertain significance for Fucosidosis. Last evaluated: 2024-10-14. Review status: criteria provided, single submitter. Criteria: Invitae Variant Classification Sherloc (09022015). Collection method: clinical testing. Allele origin: germline.
Comment: This sequence change replaces serine, which is neutral and polar, with leucine, which is neutral and non-polar, at codon 393 of the FUCA1 protein (p.Ser393Leu). This variant is present in population databases (rs149168482, gnomAD 0.007%). This variant has not been reported in the literature in individuals affected with FUCA1-related conditions. ClinVar contains an entry for this variant (Variation ID: 1405327). Invitae Evidence Modeling of protein sequence and biophysical properties (such as structural, functional, and spatial information, amino acid conservation, physicochemical variation, residue mobility, and thermodynamic stability) indicates that this missense variant is not expected to disrupt FUCA1 protein function with a negative predictive value of 95%. In summary, the available evidence is currently insufficient to determine the role of this variant in disease. Therefore, it has been classified as a Variant of Uncertain Significance.